The following is an entry in ClinVar:

ClinVar aggregate classification (germline): Uncertain significance (1 of 4 stars; one submission).

Conditions:
Inborn genetic diseases. Identifiers: MedGen C0950123, MeSH D030342.

Submission:

Ambry Genetics
Classification: Uncertain significance for Inborn genetic diseases. Last evaluated: 2024-12-04. Review status: criteria provided, single submitter. Criteria: Ambry Variant Classification Scheme 2023. Collection method: clinical testing. Allele origin: germline.
Comment: The p.T352P variant (also known as c.1054A>C), located in coding exon 6 of the ERCC6L2 gene, results from an A to C substitution at nucleotide position 1054. The threonine at codon 352 is replaced by proline, an amino acid with highly similar properties. This amino acid position is conserved. In addition, the in silico prediction for this alteration is inconclusive. Based on the available evidence, the clinical significance of this variant remains unclear.

NM_020207.7(ERCC6L2):c.1054A>C (p.Thr352Pro)

Gene: ERCC6L2 (ERCC excision repair 6 like 2; plus strand). Cytogenetic location: 9q22.32.
Variant type: single nucleotide variant.
Coding change: c.1054A>C on transcript NM_020207.7 (MANE Select); coding-DNA position 1054, A replaced by C.
Protein change: p.Thr352Pro; replaces threonine 352 with proline.
Molecular consequence: missense variant. On other transcripts: non-coding transcript variant (1).
Genome position (GRCh38, 1-based): chr9:95,916,330, A>C. VCF-style: chr9-95916330-A-C. GRCh37 (hg19) VCF-style: chr9-98678612-A-C.
Other names: c.1054A>C, p.Thr352Pro (NM_001010895.4, NM_001375291.1, NM_001375292.1 and 2 more transcripts); short protein forms T352P.
Identifiers: ClinVar variation 3510016 (VCV003510016.1).
Genomic context (GRCh38, chr9:95,916,330, plus strand): 5'-CAGTTTTCTGACCCAGTAGAACATGGTCAGAGACACACGGCAACAAAGAGAGAACTAGCC[A>C]CTGGCCGAAAGGCCATGCAAAGACTTGCCAAAAAGATGTCTGGCTGGTTTCTCAGGCGCA-3'
Protein context (NP_064592.3, residues 342-362): RHTATKRELA[Thr352Pro]GRKAMQRLAK